The following is an entry in ClinVar:

NM_001127222.2(CACNA1A):c.3633A>C (p.Glu1211Asp)

Gene: CACNA1A (calcium voltage-gated channel subunit alpha1 A; minus strand). Cytogenetic location: 19p13.13.
Variant type: single nucleotide variant.
Coding change: c.3633A>C on transcript NM_001127222.2 (MANE Select); coding-DNA position 3633, A replaced by C.
Protein change: p.Glu1211Asp; replaces glutamic acid 1211 with aspartic acid.
Molecular consequence: missense variant.
Genome position (GRCh38, 1-based): chr19:13,285,127, T>G on the plus strand (A>C on the coding strand, the complement: CACNA1A is on the minus strand). VCF-style: chr19-13285127-T-G. GRCh37 (hg19) VCF-style: chr19-13395941-T-G.
Other names: c.3645A>C, p.Glu1215Asp (NM_000068.4, NM_023035.3); c.3636A>C, p.Glu1212Asp (NM_001127221.2, NM_001174080.2); short protein forms E1212D, E1215D, E1211D.
Identifiers: ClinVar variation 452181 (VCV000452181.2), dbSNP rs1555752275, ClinGen allele CA404340950.

ClinVar aggregate classification (germline): Uncertain significance (1 of 4 stars; one submission).

Submission:

GeneDx
Classification: Uncertain significance. Last evaluated: 2017-09-19. Review status: criteria provided, single submitter. Criteria: GeneDx Variant Classification (06012015). Collection method: clinical testing. Allele origin: germline. Affected: yes.
Comment: A variant of uncertain significance has been identified in the CACNA1A gene. The E1212D variant has not been published as a pathogenic variant, nor has it been reported as a benign variant to our knowledge. The E1212D variant is not observed in large population cohorts (Lek et al., 2016). The E1212D variant is a conservative amino acid substitution, which is not likely to impact secondary protein structure as these residues share similar properties. This substitution occurs at a position where amino acids with similar properties to glutamic acid are tolerated across species. However, in silico analysis is inconsistent in its predictions as to whether or not the variant is damaging to the protein structure/function. Therefore, based on the currently available information, it is unclear whether this variant is a pathogenic variant or a rare benign variant.